The following is an entry in ClinVar:

NM_003809.3(TNFSF12):c.337+2dup

Genes: TNFSF12 (TNF superfamily member 12; plus strand), TNFSF12-TNFSF13 (TNFSF12-TNFSF13 readthrough; plus strand). Cytogenetic location: 17p13.1.
Variant type: Duplication.
Coding change: c.337+2dup on transcript NM_003809.3 (MANE Select); the canonical splice donor site of the intron after coding-DNA position 337, one base duplicated (T; older notation c.337+2dupT).
Molecular consequence: splice donor variant.
Genome position (GRCh38, 1-based): chr17:7,550,854, T duplicated. VCF-style (leftmost placement, unchanged base first): chr17-7550853-G-GT. GRCh37 (hg19) VCF-style: chr17-7454170-G-GT.
Other names: c.337+2dup (NM_172089.4).
Identifiers: ClinVar variation 4748516 (VCV004748516.1).
Genomic context (GRCh38, chr17:7,550,853, plus strand): 5'-CCTCAGCACCTAAAGGCCGGAAAACACGGGCTCGAAGAGCGATCGCAGCCCATTATGAAG[G>GT]TGGGTGATGGGTGAGCCATACCCAGGAGGAGAGGGGCAGGTGGCAGAGGGTCAGGGCAGG-3'

ClinVar aggregate classification (germline): Uncertain significance (1 of 4 stars; one submission).

Conditions:
Common variable immunodeficiency (CVID). Also called: Common variable hypogamma-globulinemia; Common variable agammaglobulinemia. Identifiers: Orphanet 1572, MedGen C0009447, MONDO:0015517.

Submission:

Labcorp Genetics (formerly Invitae), Labcorp
Classification: Uncertain significance for Common variable immunodeficiency. Last evaluated: 2025-03-12. Review status: criteria provided, single submitter. Criteria: Invitae Variant Classification Sherloc (09022015). Collection method: clinical testing. Allele origin: germline.
Comment: This sequence change falls in intron 4 of the TNFSF12 gene. It does not directly change the encoded amino acid sequence of the TNFSF12 protein. It affects a nucleotide within the consensus splice site. This variant is not present in population databases (gnomAD no frequency). This variant has not been reported in the literature in individuals affected with TNFSF12-related conditions. Variants that disrupt the consensus splice site are a relatively common cause of aberrant splicing (PMID: 17576681, 9536098). Algorithms developed to predict the effect of sequence changes on RNA splicing suggest that this variant may disrupt the consensus splice site. In summary, the available evidence is currently insufficient to determine the role of this variant in disease. Therefore, it has been classified as a Variant of Uncertain Significance.

Literature cited by the submitters: PubMed 17576681; PubMed 9536098.